The following is an entry in ClinVar:

NM_024721.5(ZFHX4):c.3182A>G (p.Asn1061Ser)

Gene: ZFHX4 (zinc finger homeobox 4; plus strand). Cytogenetic location: 8q21.13.
Variant type: single nucleotide variant.
Coding change: c.3182A>G on transcript NM_024721.5 (MANE Select); coding-DNA position 3182, A replaced by G.
Protein change: p.Asn1061Ser; replaces asparagine 1061 with serine.
Molecular consequence: missense variant.
Genome position (GRCh38, 1-based): chr8:76,778,296, A>G. VCF-style: chr8-76778296-A-G. GRCh37 (hg19) VCF-style: chr8-77690532-A-G.
Other names: c.3104A>G, p.Asn1035Ser (NM_001410934.1); short protein forms N1035S, N1061S.
Identifiers: ClinVar variation 4537794 (VCV004537794.1).

ClinVar aggregate classification (germline): Uncertain significance (1 of 4 stars; one submission).

gnomAD v4.1: 2 of 1,613,846 alleles (0.00012%); highest among the groups gnomAD compares: Admixed American, 0.0017%; no homozygotes.

Submission:

GeneDx
Classification: Uncertain significance. Last evaluated: 2025-06-13. Review status: criteria provided, single submitter. Criteria: GeneDx Variant Classification Process June 2021. Collection method: clinical testing. Allele origin: germline. Affected: yes.
Comment: Not observed at significant frequency in large population cohorts (gnomAD); In silico analysis supports that this missense variant has a deleterious effect on protein structure/function; Has not been previously published as pathogenic or benign to our knowledge